The following is an entry in ClinVar:

NM_004733.4(SLC33A1):c.1284G>A (p.Met428Ile)

Gene: SLC33A1 (solute carrier family 33 member 1; minus strand). Cytogenetic location: 3q25.31.
Variant type: single nucleotide variant.
Coding change: c.1284G>A on transcript NM_004733.4 (MANE Select); coding-DNA position 1284, G replaced by A.
Protein change: p.Met428Ile; replaces methionine 428 with isoleucine.
Molecular consequence: missense variant.
Genome position (GRCh38, 1-based): chr3:155,829,886, C>T on the plus strand (G>A on the coding strand, the complement: SLC33A1 is on the minus strand). VCF-style: chr3-155829886-C-T. GRCh37 (hg19) VCF-style: chr3-155547675-C-T.
Other names: c.1284G>A, p.Met428Ile (NM_001190992.2); c.978G>A, p.Met326Ile (NM_001363883.1); short protein forms M326I, M428I.
Identifiers: ClinVar variation 2147402 (VCV002147402.4), dbSNP rs769034906, ClinGen allele CA2677257.

ClinVar aggregate classification (germline): Uncertain significance (1 of 4 stars; one submission).

Conditions:
Spastic paraplegia. Identifiers: MedGen C0037772, HP:0001258.

Allele frequency attached by ClinVar (database versions not stated): ExAC 0.00001; gnomAD 0.00001; TOPMed 0.00001.
gnomAD v4.1: 5 of 1,609,934 alleles (0.00031%); highest among the groups gnomAD compares: African/African-American, 0.0027%; no homozygotes.

Submission:

Labcorp Genetics (formerly Invitae), Labcorp
Classification: Uncertain significance for Spastic paraplegia. Last evaluated: 2022-07-14. Review status: criteria provided, single submitter. Criteria: Invitae Variant Classification Sherloc (09022015). Collection method: clinical testing. Allele origin: germline.
Comment: This variant is present in population databases (rs769034906, gnomAD 0.003%). This sequence change replaces methionine, which is neutral and non-polar, with isoleucine, which is neutral and non-polar, at codon 428 of the SLC33A1 protein (p.Met428Ile). This variant has not been reported in the literature in individuals affected with SLC33A1-related conditions. In summary, the available evidence is currently insufficient to determine the role of this variant in disease. Therefore, it has been classified as a Variant of Uncertain Significance. Algorithms developed to predict the effect of missense changes on protein structure and function (SIFT, PolyPhen-2, Align-GVGD) all suggest that this variant is likely to be tolerated.